The following is an entry in ClinVar:

NM_001793.6(CDH3):c.59A>G (p.Gln20Arg)

Genes: CDH3-AS1 (CDH3 antisense RNA 1; minus strand), CDH3 (cadherin 3; plus strand). Cytogenetic location: 16q22.1.
Variant type: single nucleotide variant.
Coding change: c.59A>G on transcript NM_001793.6 (MANE Select); coding-DNA position 59, A replaced by G.
Protein change: p.Gln20Arg; replaces glutamine 20 with arginine.
Molecular consequence: missense variant. On other transcripts: intron variant (1).
Genome position (GRCh38, 1-based): chr16:68,645,649, A>G. VCF-style: chr16-68645649-A-G. GRCh37 (hg19) VCF-style: chr16-68679552-A-G.
Other names: c.59A>G, p.Gln20Arg (NM_001317195.3); c.-6+225A>G (NM_001317196.2); short protein forms Q20R.
Identifiers: ClinVar variation 1515948 (VCV001515948.8), dbSNP rs1960033029, ClinGen allele CA396455184.

ClinVar aggregate classification (germline): Uncertain significance (1 of 4 stars; one submission).

Allele frequency attached by ClinVar (database versions not stated): TOPMed below 0.00001.
gnomAD v4.1: 1 of 1,542,572 alleles (0.000065%); no homozygotes.

Submission:

Labcorp Genetics (formerly Invitae), Labcorp
Classification: Uncertain significance. Last evaluated: 2023-06-13. Review status: criteria provided, single submitter. Criteria: Invitae Variant Classification Sherloc (09022015). Collection method: clinical testing. Allele origin: germline.
Comment: This sequence change replaces glutamine, which is neutral and polar, with arginine, which is basic and polar, at codon 20 of the CDH3 protein (p.Gln20Arg). This variant is not present in population databases (gnomAD no frequency). This variant has not been reported in the literature in individuals affected with CDH3-related conditions. ClinVar contains an entry for this variant (Variation ID: 1515948). Algorithms developed to predict the effect of missense changes on protein structure and function output the following: SIFT: "Not Available"; PolyPhen-2: "Benign"; Align-GVGD: "Not Available". The arginine amino acid residue is found in multiple mammalian species, which suggests that this missense change does not adversely affect protein function. In summary, the available evidence is currently insufficient to determine the role of this variant in disease. Therefore, it has been classified as a Variant of Uncertain Significance.